The following is an entry in ClinVar:

ClinVar aggregate classification (germline): Likely pathogenic (1 of 4 stars; one submission).

Conditions:
Alport syndrome. Also called: Hemorrhagic familial nephritis; Hemorrhagic hereditary nephritis; Congenital hereditary hematuria. Identifiers: Orphanet 63, MedGen C1567741, MONDO:0018965.

Submission:

Natera, Inc.
Classification: Likely pathogenic for Alport syndrome. Last evaluated: 2025-04-24. Review status: criteria provided, single submitter. Criteria: Natera Variant Classification Schema (03/2026). Collection method: clinical testing. Allele origin: germline.
Comment: The c.620G>A variant in COL4A3 is a missense variant predicted to cause substitution of glycine to glutamic acid at amino acid 207. This variant is rare in the general population with a frequency below the threshold expected for the associated phenotype(s). This variant has been observed in affected individual(s) with monoallelic occurrence (heterozygous/hemizygous) (PMID: 36685964). This variant has been identified in one or more affected individual with a phenotype highly consistent with the associated gene (PMID: 36685964). This variant is located in a functionally critical region of the protein. Computational prediction algorithms indicate this variant is likely to affect gene or protein function. Given the available evidence, this variant is classified as Likely Pathogenic.

Literature cited by the submitters: PubMed 36685964.

NM_000091.5(COL4A3):c.620G>A (p.Gly207Glu)

Genes: COL4A3 (collagen type IV alpha 3 chain; plus strand), MFF-DT (MFF divergent transcript; minus strand). Cytogenetic location: 2q36.3.
Variant type: single nucleotide variant.
Coding change: c.620G>A on transcript NM_000091.5 (MANE Select); coding-DNA position 620, G replaced by A.
Protein change: p.Gly207Glu; replaces glycine 207 with glutamic acid.
Molecular consequence: missense variant.
Genome position (GRCh38, 1-based): chr2:227,251,346, G>A. VCF-style: chr2-227251346-G-A. GRCh37 (hg19) VCF-style: chr2-228116062-G-A.
Other names: short protein forms G207E.
Identifiers: ClinVar variation 4817272 (VCV004817272.1).